The following is an entry in ClinVar:

NM_013266.4(CTNNA3):c.1093A>G (p.Asn365Asp)

Gene: CTNNA3 (catenin alpha 3; minus strand). Cytogenetic location: 10q21.3.
Variant type: single nucleotide variant.
Coding change: c.1093A>G on transcript NM_013266.4 (MANE Select); coding-DNA position 1093, A replaced by G.
Protein change: p.Asn365Asp; replaces asparagine 365 with aspartic acid.
Molecular consequence: missense variant.
Genome position (GRCh38, 1-based): chr10:66,775,479, T>C on the plus strand (A>G on the coding strand, the complement: CTNNA3 is on the minus strand). VCF-style: chr10-66775479-T-C. GRCh37 (hg19) VCF-style: chr10-68535237-T-C.
Other names: c.1093A>G, p.Asn365Asp (NM_001127384.3); short protein forms N365D.
Identifiers: ClinVar variation 3837212 (VCV003837212.1).
Genomic context (GRCh38, chr10:66,775,479, plus strand): 5'-ACTCCATATCTCTCTCTTCCCTCACCTGTCTGCGAAGGTCTCTTGTCTTCTTACACATGT[T>C]GTCTAAAGCAATATTCAGGGTATTACTCCTTTCTTTTTTTCCAGCCTGCAAAGAAGAAAA-3'
Protein context (NP_037398.2, residues 355-375): RSNTLNIALD[Asn365Asp]MCKKTRDLRR

ClinVar aggregate classification (germline): Uncertain significance (1 of 4 stars; one submission).

gnomAD v4.1: 10 of 1,611,928 alleles (0.00062%); highest among the groups gnomAD compares: Non-Finnish European, 0.00085%; no homozygotes.

Submission:

Ambry Genetics
Classification: Uncertain significance. Last evaluated: 2025-02-13. Review status: criteria provided, single submitter. Criteria: Ambry Variant Classification Scheme 2023. Collection method: clinical testing. Allele origin: germline.
Comment: The p.N365D variant (also known as c.1093A>G), located in coding exon 7 of the CTNNA3 gene, results from an A to G substitution at nucleotide position 1093. The asparagine at codon 365 is replaced by aspartic acid, an amino acid with highly similar properties. This amino acid position is conserved. In addition, this alteration is predicted to be tolerated by in silico analysis. Based on the available evidence, the clinical significance of this variant remains unclear.